The following is an entry in ClinVar:

NM_001378609.3(OTOGL):c.4013C>G (p.Ser1338Cys)

Gene: OTOGL (otogelin like; plus strand). Cytogenetic location: 12q21.31.
Variant type: single nucleotide variant.
Coding change: c.4013C>G on transcript NM_001378609.3 (MANE Select); coding-DNA position 4013, C replaced by G.
Protein change: p.Ser1338Cys; replaces serine 1338 with cysteine.
Molecular consequence: missense variant.
Genome position (GRCh38, 1-based): chr12:80,320,632, C>G. VCF-style: chr12-80320632-C-G. GRCh37 (hg19) VCF-style: chr12-80714412-C-G.
Other names: c.3878C>G, p.Ser1293Cys (NM_001368062.3); c.4013C>G, p.Ser1338Cys (NM_001378610.3, NM_173591.7); short protein forms S1293C, S1338C.
Identifiers: ClinVar variation 3368875 (VCV003368875.1).

ClinVar aggregate classification (germline): Uncertain significance (1 of 4 stars; one submission).

gnomAD v4.1: 37 of 1,610,054 alleles (0.0023%); highest among the groups gnomAD compares: South Asian, 0.035%; no homozygotes.

Submission:

GeneDx
Classification: Uncertain significance. Last evaluated: 2024-02-09. Review status: criteria provided, single submitter. Criteria: GeneDx Variant Classification Process June 2021. Collection method: clinical testing. Allele origin: germline. Affected: yes.
Comment: In silico analysis supports that this missense variant has a deleterious effect on protein structure/function; Has not been previously published as pathogenic or benign to our knowledge